The following is an entry in ClinVar:

ClinVar aggregate classification (germline): Uncertain significance. Review status: criteria provided, multiple submitters, no conflicts (2 of 4 stars). 3 submissions from 3 submitters: Uncertain significance (3). Last evaluated 2024-10-09.

Conditions:
Inborn genetic diseases. Identifiers: MedGen C0950123, MeSH D030342.

Allele frequency attached by ClinVar (database versions not stated): gnomAD 0.00001; ExAC 0.00003; gnomAD exomes 0.00003; TOPMed 0.00004; ESP Exome Variant Server 0.00008.
gnomAD v4.1: 44 of 1,613,832 alleles (0.0027%); highest among the groups gnomAD compares: Non-Finnish European, 0.0033%; no homozygotes.

Submissions (3):

Ambry Genetics
Classification: Uncertain significance for Inborn genetic diseases. Last evaluated: 2024-10-09. Review status: criteria provided, single submitter. Criteria: Ambry Variant Classification Scheme 2023. Collection method: clinical testing. Allele origin: germline.

Labcorp Genetics (formerly Invitae), Labcorp
Classification: Uncertain significance. Last evaluated: 2023-08-27. Review status: criteria provided, single submitter. Criteria: Invitae Variant Classification Sherloc (09022015). Collection method: clinical testing. Allele origin: germline.
Comment: This variant has not been reported in the literature in individuals affected with FAT1-related conditions. This sequence change replaces proline, which is neutral and non-polar, with leucine, which is neutral and non-polar, at codon 2248 of the FAT1 protein (p.Pro2248Leu). This variant is present in population databases (rs367776554, gnomAD 0.007%). ClinVar contains an entry for this variant (Variation ID: 2501992). An algorithm developed to predict the effect of missense changes on protein structure and function (PolyPhen-2) suggests that this variant is likely to be disruptive. In summary, the available evidence is currently insufficient to determine the role of this variant in disease. Therefore, it has been classified as a Variant of Uncertain Significance.

GeneDx
Classification: Uncertain significance. Last evaluated: 2022-11-07. Review status: criteria provided, single submitter. Criteria: GeneDx Variant Classification Process June 2021. Collection method: clinical testing. Allele origin: germline. Affected: yes.
Comment: In silico analysis supports that this missense variant has a deleterious effect on protein structure/function; Has not been previously published as pathogenic or benign to our knowledge

NM_005245.4(FAT1):c.6743C>T (p.Pro2248Leu)

Gene: FAT1 (FAT atypical cadherin 1; minus strand). Cytogenetic location: 4q35.2.
Variant type: single nucleotide variant.
Coding change: c.6743C>T on transcript NM_005245.4 (MANE Select); coding-DNA position 6743, C replaced by T.
Protein change: p.Pro2248Leu; replaces proline 2248 with leucine.
Molecular consequence: missense variant.
Genome position (GRCh38, 1-based): chr4:186,619,843, G>A on the plus strand (C>T on the coding strand, the complement: FAT1 is on the minus strand). VCF-style: chr4-186619843-G-A. GRCh37 (hg19) VCF-style: chr4-187540997-G-A.
Other names: short protein forms P2248L.
Identifiers: ClinVar variation 2501992 (VCV002501992.5), dbSNP rs367776554, ClinGen allele CA3166193.
Genomic context (GRCh38, chr4:186,619,843, plus strand): 5'-AATACTTCAGCATGAGCGCCCGTCAAGGAGTCAGTTGCGCGTATGCTCAGCTTATATGCC[G>A]GGTGGGCCTCAAAGTCCAGAGGAGCTATGACATTGATAACTCCAGTATTGAAGTTAATAG-3'
Protein context (NP_005236.2, residues 2238-2258): VIAPLDFEAH[Pro2248Leu]AYKLSIRATD